The following is an entry in ClinVar:

NM_000168.6(GLI3):c.3638A>G (p.Tyr1213Cys)

Gene: GLI3 (GLI family zinc finger 3; minus strand). Cytogenetic location: 7p14.1.
Variant type: single nucleotide variant.
Coding change: c.3638A>G on transcript NM_000168.6 (MANE Select); coding-DNA position 3638, A replaced by G.
Protein change: p.Tyr1213Cys; replaces tyrosine 1213 with cysteine.
Molecular consequence: missense variant.
Genome position (GRCh38, 1-based): chr7:41,965,435, T>C on the plus strand (A>G on the coding strand, the complement: GLI3 is on the minus strand). VCF-style: chr7-41965435-T-C. GRCh37 (hg19) VCF-style: chr7-42005033-T-C.
Other names: short protein forms Y1213C.
Identifiers: ClinVar variation 2635565 (VCV002635565.1), dbSNP rs1043144793, ClinGen allele CA367317625.

ClinVar aggregate classification (germline): Uncertain significance (1 of 4 stars; one submission).

Conditions:
GLI3-related disorder. Also called: GLI3-related condition; GLI3-related disorders. Identifiers: MedGen CN239292.

Allele frequency attached by ClinVar (database versions not stated): gnomAD 0.00001.

Submission:

PreventionGenetics, part of Exact Sciences
Classification: Uncertain significance for GLI3-related condition. Last evaluated: 2022-11-09. Review status: criteria provided, single submitter. Criteria: ACMG Guidelines, 2015. Collection method: clinical testing. Allele origin: germline.
Comment: The GLI3 c.3638A>G variant is predicted to result in the amino acid substitution p.Tyr1213Cys. To our knowledge, this variant has not been reported in the literature or in a large population database, indicating this variant is rare. At this time, the clinical significance of this variant is uncertain due to the absence of conclusive functional and genetic evidence.